The following is an entry in ClinVar:

NM_000059.4(BRCA2):c.43T>C (p.Phe15Leu)

Gene: BRCA2 (BRCA2 DNA repair associated; plus strand). Cytogenetic location: 13q13.1.
Variant type: single nucleotide variant.
Coding change: c.43T>C on transcript NM_000059.4 (MANE Select); coding-DNA position 43, T replaced by C.
Protein change: p.Phe15Leu; replaces phenylalanine 15 with leucine.
Molecular consequence: missense variant.
Genome position (GRCh38, 1-based): chr13:32,316,503, T>C. VCF-style: chr13-32316503-T-C. GRCh37 (hg19) VCF-style: chr13-32890640-T-C.
Other names: short protein forms F15L.
Identifiers: ClinVar variation 419023 (VCV000419023.9), dbSNP rs1064793592, ClinGen allele CA16619633.

ClinVar aggregate classification (germline): Uncertain significance. Review status: criteria provided, multiple submitters, no conflicts (2 of 4 stars). 3 submissions from 3 submitters: Uncertain significance (3). Last evaluated 2025-03-26.

Conditions:
Hereditary cancer-predisposing syndrome. Also called: Hereditary neoplastic syndrome; Tumor predisposition; Neoplastic Syndromes, Hereditary; Hereditary Cancer Syndrome. Identifiers: Orphanet 140162, MedGen C0027672, MeSH D009386, MONDO:0015356.
Hereditary breast ovarian cancer syndrome. Also called: Hereditary breast and ovarian cancer; Hereditary breast and/or ovarian cancer syndrome; Hereditary breast and ovarian cancer syndrome; Hereditary breast and ovarian cancer syndrome (HBOC); Breast and ovarian cancer; BRCA1- and BRCA2-Associated Hereditary Breast and Ovarian Cancer. Identifiers: Orphanet 145, MedGen C0677776, MeSH D061325, MONDO:0003582. Disease mechanism: loss of function.

Allele frequency attached by ClinVar (database versions not stated): gnomAD exomes below 0.00001.
gnomAD v4.1: 1 of 1,614,032 alleles (0.000062%); highest among the groups gnomAD compares: Non-Finnish European, 0.000085%; no homozygotes.

Submissions (3):

Labcorp Genetics (formerly Invitae), Labcorp
Classification: Uncertain significance for Hereditary breast ovarian cancer syndrome. Last evaluated: 2025-03-26. Review status: criteria provided, single submitter. Criteria: Invitae Variant Classification Sherloc (09022015). Collection method: clinical testing. Allele origin: germline.
Comment: This sequence change replaces phenylalanine, which is neutral and non-polar, with leucine, which is neutral and non-polar, at codon 15 of the BRCA2 protein (p.Phe15Leu). This variant is not present in population databases (gnomAD no frequency). This variant has not been reported in the literature in individuals affected with BRCA2-related conditions. ClinVar contains an entry for this variant (Variation ID: 419023). Invitae Evidence Modeling of protein sequence and biophysical properties (such as structural, functional, and spatial information, amino acid conservation, physicochemical variation, residue mobility, and thermodynamic stability) indicates that this missense variant is not expected to disrupt BRCA2 protein function with a negative predictive value of 95%. In summary, the available evidence is currently insufficient to determine the role of this variant in disease. Therefore, it has been classified as a Variant of Uncertain Significance.

Ambry Genetics
Classification: Uncertain significance for Hereditary cancer-predisposing syndrome. Last evaluated: 2023-10-27. Review status: criteria provided, single submitter. Criteria: Ambry Variant Classification Scheme 2023. Collection method: clinical testing. Allele origin: germline.
Comment: The p.F15L variant (also known as c.43T>C), located in coding exon 1 of the BRCA2 gene, results from a T to C substitution at nucleotide position 43. The phenylalanine at codon 15 is replaced by leucine, an amino acid with highly similar properties. This amino acid position is highly conserved in available vertebrate species. In addition, the in silico prediction for this alteration is inconclusive. Since supporting evidence is limited at this time, the clinical significance of this alteration remains unclear.

GeneDx
Classification: Uncertain significance. Last evaluated: 2015-05-07. Review status: criteria provided, single submitter. Criteria: GeneDx Variant Classification (06012015). Collection method: clinical testing. Allele origin: germline. Affected: yes.
Comment: This variant is denoted BRCA2 c.43T>C at the cDNA level, p.Phe15Leu (F15L) at the protein level, and results in the change of a Phenylalanine to a Leucine (TTT>CTT). Using alternate nomenclature, this variant would be defined as BRCA2 271T>C. This variant has not, to our knowledge, been published in the literature as pathogenic or benign. BRCA2 Phe15Leu was not observed in approximately 6,500 individuals of European and African American ancestry in the NHLBI Exome Sequencing Project, indicating it is not a common benign variant in these populations. Since Phenylalanine and Leucine share similar properties, this is considered a conservative amino acid substitution. BRCA2 Phe15Leu occurs at a position that is conserved in mammals and is located in PALB2 interaction domain (UniProt). In silico analyses predict that this variant is probably damaging to protein structure and function. Based on currently available information, it is unclear whether BRCA2 Phe15Leu is pathogenic or benign. We consider it to be a variant of uncertain significance.